The following is an entry in ClinVar:

ClinVar aggregate classification (germline): Benign/Likely benign. Review status: criteria provided, multiple submitters, no conflicts (2 of 4 stars). 3 submissions from 3 submitters: Benign (1); Likely benign (2). Last evaluated 2026-02-01.

Allele frequency attached by ClinVar (database versions not stated): ExAC 0.00037; gnomAD 0.00111; TOPMed 0.00119; ESP Exome Variant Server 0.00123; 1000 Genomes Project 0.00180; 1000 Genomes Project 30x 0.00187.
gnomAD v4.1: 282 of 1,596,730 alleles (0.018%); highest among the groups gnomAD compares: African/African-American, 0.34%; no homozygotes.

Submissions (3):

CeGaT Center for Human Genetics Tuebingen
Classification: Likely benign. Last evaluated: 2026-02-01. Review status: criteria provided, single submitter. Criteria: CeGaT Center For Human Genetics Tuebingen Variant Classification Criteria Version 2. Collection method: clinical testing. Allele origin: germline. Affected: yes. Observed: 1 variant allele.
Comment: JAK2: BP4

Labcorp Genetics (formerly Invitae), Labcorp
Classification: Benign. Last evaluated: 2025-10-15. Review status: criteria provided, single submitter. Criteria: Invitae Variant Classification Sherloc (09022015). Collection method: clinical testing. Allele origin: germline.

Blueprint Genetics
Classification: Likely benign. Last evaluated: 2024-03-11. Review status: criteria provided, single submitter. Criteria: ACMG Guidelines, 2015. Collection method: clinical testing. Allele origin: germline.

NM_004972.4(JAK2):c.2850C>T (p.His950=)

Genes: INSL6 (insulin like 6; minus strand), JAK2 (Janus kinase 2; plus strand). Cytogenetic location: 9p24.1.
Variant type: single nucleotide variant.
Coding change: c.2850C>T on transcript NM_004972.4 (MANE Select); coding-DNA position 2850, C replaced by T.
Protein change: p.His950=; no amino-acid change (histidine 950 retained).
Molecular consequence: synonymous variant. On other transcripts: non-coding transcript variant (2).
Genome position (GRCh38, 1-based): chr9:5,090,534, C>T. VCF-style: chr9-5090534-C-T. GRCh37 (hg19) VCF-style: chr9-5090534-C-T.
Other names: c.2850C>T, p.His950= (NM_001322194.2, NM_001322195.2, NM_001322196.2); c.1635C>T, p.His545= (NM_001322198.2, NM_001322199.2); c.2403C>T, p.His801= (NM_001322204.2).
Identifiers: ClinVar variation 2079143 (VCV002079143.9), dbSNP rs77779115, ClinGen allele CA4972272.